The following is an entry in ClinVar:

ClinVar aggregate classification (germline): Uncertain significance. Review status: criteria provided, multiple submitters, no conflicts (2 of 4 stars). 5 submissions from 5 submitters: Uncertain significance (3). 2 of the submissions do not count toward it. Last evaluated 2025-02-12.

Conditions:
Cystic fibrosis (CF). Also called: MUCOVISCIDOSIS. Identifiers: Orphanet 586, MedGen C0010674, MONDO:0009061, OMIM 219700. Disease mechanism: loss of function.

Allele frequency attached by ClinVar (database versions not stated): gnomAD 0.00003; TOPMed below 0.00001.
gnomAD v4.1: 8 of 1,606,196 alleles (0.0005%); highest among the groups gnomAD compares: Non-Finnish European, 0.00068%; no homozygotes.

Submissions (5):

Ambry Genetics
Classification: Uncertain significance for Cystic fibrosis. Last evaluated: 2025-02-12. Review status: criteria provided, single submitter. Criteria: Ambry Variant Classification Scheme 2023. Collection method: clinical testing. Allele origin: germline.
Comment: The p.R553Q variant (also known as c.1658G>A), located in coding exon 12 of the CFTR gene, results from a G to A substitution at nucleotide position 1658. The arginine at codon 553 is replaced by glutamine, an amino acid with highly similar properties. This alteration was identified in cis with F508 and in trans with R553X in an individual with pancreatic insufficiency and borderline sweat chloride (D&ouml;rk T et al. Hum Genet, 1991 Aug;87:441-6). This amino acid position is well conserved in available vertebrate species. In addition, this alteration is predicted to be deleterious by in silico analysis. Based on the available evidence, the clinical significance of this variant remains unclear.

Women's Health and Genetics/Laboratory Corporation of America, LabCorp
Classification: Uncertain significance. Last evaluated: 2024-10-07. Review status: criteria provided, single submitter. Criteria: LabCorp Variant Classification Summary - May 2015. Collection method: clinical testing. Allele origin: germline.
Comment: Variant summary: CFTR c.1658G>A (p.Arg553Gln) results in a conservative amino acid change in the encoded protein sequence. Three of four in-silico tools predict a damaging effect of the variant on protein function. The variant allele was found at a frequency of 5e-06 in 1606196 control chromosomes. In a cross-sectional ascertainment of the literature (1991-2024), c.1658G>A has been reported in the literature in cis with p.Phe508del in individuals affected with Cystic Fibrosis (e.g. Tummler_2009, Drk_1994). These report(s) do not provide unequivocal conclusions about association of the variant with Cystic Fibrosis. At least one publication reports experimental evidence evaluating an impact on protein function. The most pronounced variant effect resulted in approximately 40% of normal chloride channel conductance relative to wild type (e.g., Bihler_2024). The following publications have been ascertained in the context of this evaluation (PMID: 38388235, 1715308, 7525450, 38203285, 11168024, 19176844, 17244607). ClinVar contains an entry for this variant (Variation ID: 7225). Based on the evidence outlined above, the variant was classified as uncertain significance.

Labcorp Genetics (formerly Invitae), Labcorp
Classification: Uncertain significance for Cystic fibrosis. Last evaluated: 2022-04-12. Review status: criteria provided, single submitter. Criteria: Invitae Variant Classification Sherloc (09022015). Collection method: clinical testing. Allele origin: germline.
Comment: This sequence change replaces arginine, which is basic and polar, with glutamine, which is neutral and polar, at codon 553 of the CFTR protein (p.Arg553Gln). This variant is present in population databases (rs121909044, gnomAD 0.3%). This missense change has been observed in individual(s) with clinical features of CFTR-related conditions (PMID: 1284534, 1715308, 7545856, 19176844). ClinVar contains an entry for this variant (Variation ID: 7225). Algorithms developed to predict the effect of missense changes on protein structure and function output the following: SIFT: "Deleterious"; PolyPhen-2: "Benign"; Align-GVGD: "Class C0". The glutamine amino acid residue is found in multiple mammalian species, which suggests that this missense change does not adversely affect protein function. In summary, the available evidence is currently insufficient to determine the role of this variant in disease. Therefore, it has been classified as a Variant of Uncertain Significance.

Counsyl
Classification: Uncertain significance for Cystic fibrosis. Last evaluated: 2017-06-14. Review status: no assertion criteria provided. Collection method: clinical testing. Allele origin: unknown. Not counted in ClinVar's aggregate classification.

OMIM
Classification: Pathogenic for CYSTIC FIBROSIS. Last evaluated: 1997-02-13. Review status: no assertion criteria provided. Collection method: literature only. Allele origin: germline. Not counted in ClinVar's aggregate classification.

Literature cited by the submitters: PubMed 1715308 (cited by 5 submitters); PubMed 7545856 (cited by 3 submitters); PubMed 11168024 (cited by Women's Health and Genetics/Laboratory Corporation of America, LabCorp); PubMed 7525450 (cited by Women's Health and Genetics/Laboratory Corporation of America, LabCorp); PubMed 17244607 (cited by Women's Health and Genetics/Laboratory Corporation of America, LabCorp and Counsyl); PubMed 38388235 (cited by Women's Health and Genetics/Laboratory Corporation of America, LabCorp); PubMed 38203285 (cited by Women's Health and Genetics/Laboratory Corporation of America, LabCorp); PubMed 19176844 (cited by Women's Health and Genetics/Laboratory Corporation of America, LabCorp and Labcorp Genetics (formerly Invitae), Labcorp); PubMed 1284534 (cited by Labcorp Genetics (formerly Invitae), Labcorp); PubMed 7682896 (cited by Counsyl); PubMed 9017943 (cited by OMIM).

NM_000492.4(CFTR):c.1658G>A (p.Arg553Gln)

Genes: CFTR (CF transmembrane conductance regulator; plus strand), LOC111674475 (CFTR intron 11 enhancer; plus strand). Cytogenetic location: 7q31.2.
Variant type: single nucleotide variant.
Coding change: c.1658G>A on transcript NM_000492.4 (MANE Select); coding-DNA position 1658, G replaced by A.
Protein change: p.Arg553Gln; replaces arginine 553 with glutamine.
Molecular consequence: missense variant.
Genome position (GRCh38, 1-based): chr7:117,587,812, G>A. VCF-style: chr7-117587812-G-A. GRCh37 (hg19) VCF-style: chr7-117227866-G-A.
Other names: short protein forms R553Q.
Identifiers: ClinVar variation 7225 (VCV000007225.6), dbSNP rs121909044, ClinGen allele CA325608.